The following is an entry in ClinVar:

ClinVar aggregate classification (germline): Uncertain significance. Review status: criteria provided, multiple submitters, no conflicts (2 of 4 stars). 2 submissions from 2 submitters: Uncertain significance (2). Last evaluated 2025-11-13.

Conditions:
Hereditary cancer-predisposing syndrome. Also called: Neoplastic Syndromes, Hereditary; Tumor predisposition; Hereditary Cancer Syndrome; Hereditary neoplastic syndrome. Identifiers: Orphanet 140162, MedGen C0027672, MeSH D009386, MONDO:0015356.
Multiple endocrine neoplasia, type 2 (MEN2). Identifiers: Orphanet 653, MedGen C4048306, MONDO:0019003. Disease mechanism: gain of function.

Allele frequency attached by ClinVar (database versions not stated): gnomAD exomes 0.00001.
gnomAD v4.1: 3 of 1,614,198 alleles (0.00019%); highest among the groups gnomAD compares: East Asian, 0.0022%; no homozygotes.

Submissions (2):

Labcorp Genetics (formerly Invitae), Labcorp
Classification: Uncertain significance for Multiple endocrine neoplasia, type 2. Last evaluated: 2025-11-13. Review status: criteria provided, single submitter. Criteria: Invitae Variant Classification Sherloc (09022015). Collection method: clinical testing. Allele origin: germline.
Comment: This sequence change replaces arginine, which is basic and polar, with lysine, which is basic and polar, at codon 1012 of the RET protein (p.Arg1012Lys). This variant is present in population databases (no rsID available, gnomAD 0.006%). This variant has not been reported in the literature in individuals affected with RET-related conditions. ClinVar contains an entry for this variant (Variation ID: 1799083). An algorithm developed to predict the effect of missense changes on protein structure and function (PolyPhen-2) suggests that this variant is likely to be tolerated. In summary, the available evidence is currently insufficient to determine the role of this variant in disease. Therefore, it has been classified as a Variant of Uncertain Significance.

Ambry Genetics
Classification: Uncertain significance for Hereditary cancer-predisposing syndrome. Last evaluated: 2025-04-06. Review status: criteria provided, single submitter. Criteria: Ambry Variant Classification Scheme 2023. Collection method: clinical testing. Allele origin: germline.
Comment: The p.R1012K variant (also known as c.3035G>A), located in coding exon 18 of the RET gene, results from a G to A substitution at nucleotide position 3035. The arginine at codon 1012 is replaced by lysine, an amino acid with highly similar properties. This amino acid position is poorly conserved in available vertebrate species. In addition, this alteration is predicted to be tolerated by in silico analysis. Since supporting evidence is limited at this time, the clinical significance of this alteration remains unclear.

NM_020975.6(RET):c.3035G>A (p.Arg1012Lys)

Gene: RET (ret proto-oncogene; plus strand). Cytogenetic location: 10q11.21.
Variant type: single nucleotide variant.
Coding change: c.3035G>A on transcript NM_020975.6 (MANE Select); coding-DNA position 3035, G replaced by A.
Protein change: p.Arg1012Lys; replaces arginine 1012 with lysine.
Molecular consequence: missense variant.
Genome position (GRCh38, 1-based): chr10:43,124,978, G>A. VCF-style: chr10-43124978-G-A. GRCh37 (hg19) VCF-style: chr10-43620426-G-A.
Other names: c.2273G>A, p.Arg758Lys (NM_001355216.2); c.3035G>A, p.Arg1012Lys (NM_001406743.1, NM_001406744.1, NM_001406759.1 and 4 more transcripts); c.2900G>A, p.Arg967Lys (NM_001406763.1, NM_001406765.1); c.2906G>A, p.Arg969Lys (NM_001406761.1, NM_001406762.1, NM_001406764.1); c.2747G>A, p.Arg916Lys (NM_001406766.1, NM_001406767.1, NM_001406770.1); c.2771G>A, p.Arg924Lys (NM_001406768.1); c.2639G>A, p.Arg880Lys (NM_001406769.1, NM_001406772.1); c.2597G>A, p.Arg866Lys (NM_001406771.1, NM_001406773.1); and 10 more; short protein forms R668K, R713K, R758K, R880K, R969K, R529K, R577K, R770K.
Identifiers: ClinVar variation 1799083 (VCV001799083.5), dbSNP rs1340104694, ClinGen allele CA376558242.